The following is an entry in ClinVar:

NM_006514.4(SCN10A):c.4477A>G (p.Met1493Val)

Gene: SCN10A (sodium voltage-gated channel alpha subunit 10; minus strand). Cytogenetic location: 3p22.2.
Variant type: single nucleotide variant.
Coding change: c.4477A>G on transcript NM_006514.4 (MANE Select); coding-DNA position 4477, A replaced by G.
Protein change: p.Met1493Val; replaces methionine 1493 with valine.
Molecular consequence: missense variant.
Genome position (GRCh38, 1-based): chr3:38,702,019, T>C on the plus strand (A>G on the coding strand, the complement: SCN10A is on the minus strand). VCF-style: chr3-38702019-T-C. GRCh37 (hg19) VCF-style: chr3-38743510-T-C.
Other names: c.4474A>G, p.Met1492Val (NM_001293306.2); c.4183A>G, p.Met1395Val (NM_001293307.2); short protein forms M1395V, M1493V, M1492V.
Identifiers: ClinVar variation 1740860 (VCV001740860.4), dbSNP rs770200336, ClinGen allele CA2319887.

ClinVar aggregate classification (germline): Uncertain significance (1 of 4 stars; one submission).

Conditions:
Cardiovascular phenotype. Identifiers: MedGen CN230736.

Allele frequency attached by ClinVar (database versions not stated): gnomAD exomes below 0.00001; ExAC 0.00001; gnomAD 0.00001.

Submission:

Ambry Genetics
Classification: Uncertain significance for Cardiovascular phenotype. Last evaluated: 2025-03-03. Review status: criteria provided, single submitter. Criteria: Ambry Variant Classification Scheme 2023. Collection method: clinical testing. Allele origin: germline.
Comment: The p.M1493V variant (also known as c.4477A>G), located in coding exon 26 of the SCN10A gene, results from an A to G substitution at nucleotide position 4477. The methionine at codon 1493 is replaced by valine, an amino acid with highly similar properties. This amino acid position is highly conserved in available vertebrate species. In addition, this alteration is predicted to be deleterious by in silico analysis. The evidence for this gene-disease relationship is limited; therefore, the clinical significance of this alteration is unclear.